The following is an entry in ClinVar:

ClinVar aggregate classification (germline): Pathogenic. Review status: criteria provided, multiple submitters, no conflicts (2 of 4 stars). 4 submissions from 4 submitters: Pathogenic (4). Last evaluated 2024-02-06.

Conditions:
Hereditary cancer-predisposing syndrome. Also called: Neoplastic Syndromes, Hereditary; Tumor predisposition; Hereditary neoplastic syndrome; Hereditary Cancer Syndrome. Identifiers: Orphanet 140162, MedGen C0027672, MeSH D009386, MONDO:0015356.
Familial cancer of breast. Also called: BREAST CANCER, FAMILIAL; Hereditary breast cancer; hereditary breast carcinoma. Identifiers: Orphanet 227535, MedGen C0346153, MONDO:0016419, OMIM 114480. Disease mechanism: loss of function.

Submissions (4):

Labcorp Genetics (formerly Invitae), Labcorp
Classification: Pathogenic for Familial cancer of breast. Last evaluated: 2024-02-06. Review status: criteria provided, single submitter. Criteria: Invitae Variant Classification Sherloc (09022015). Collection method: clinical testing. Allele origin: germline.
Comment: This sequence change creates a premature translational stop signal (p.Lys205Serfs*7) in the BARD1 gene. It is expected to result in an absent or disrupted protein product. Loss-of-function variants in BARD1 are known to be pathogenic (PMID: 20077502, 21344236). This variant is not present in population databases (gnomAD no frequency). This variant has not been reported in the literature in individuals affected with BARD1-related conditions. ClinVar contains an entry for this variant (Variation ID: 826207). For these reasons, this variant has been classified as Pathogenic.

Myriad Genetics, Inc.
Classification: Pathogenic for Familial cancer of breast. Last evaluated: 2023-05-19. Review status: criteria provided, single submitter. Criteria: Myriad Autosomal Dominant, Autosomal Recessive and X-Linked Classification Criteria (2023). Collection method: clinical testing. Allele origin: unknown.
Comment: This variant is considered pathogenic. This variant creates a frameshift predicted to result in premature protein truncation.

Color Diagnostics, LLC DBA Color Health
Classification: Pathogenic for Hereditary cancer-predisposing syndrome. Last evaluated: 2022-05-10. Review status: criteria provided, single submitter. Criteria: ACMG Guidelines, 2015. Collection method: clinical testing. Allele origin: germline.
Comment: This variant deletes 1 nucleotide in exon 4 of the BARD1 gene, creating a frameshift and premature translation stop signal. This variant is expected to result in an absent or non-functional protein product. To our knowledge, this variant has not been reported in individuals affected with hereditary cancer in the literature. This variant has not been identified in the general population by the Genome Aggregation Database (gnomAD). Loss of BARD1 function is a known mechanism of disease. Based on the available evidence, this variant is classified as Pathogenic.

Ambry Genetics
Classification: Pathogenic for Hereditary cancer-predisposing syndrome. Last evaluated: 2018-09-25. Review status: criteria provided, single submitter. Criteria: Ambry Variant Classification Scheme 2023. Collection method: clinical testing. Allele origin: germline.
Comment: The c.614delA pathogenic mutation, located in coding exon 4 of the BARD1 gene, results from a deletion of one nucleotide at nucleotide position 614, causing a translational frameshift with a predicted alternate stop codon (p.K205Sfs*7). This alteration is expected to result in loss of function by premature protein truncation or nonsense-mediated mRNA decay. As such, this alteration is interpreted as a disease-causing mutation.

Literature cited by the submitters: PubMed 20077502 (cited by Labcorp Genetics (formerly Invitae), Labcorp); PubMed 21344236 (cited by Labcorp Genetics (formerly Invitae), Labcorp).

NM_000465.4(BARD1):c.614del (p.Lys205fs)

Gene: BARD1 (BRCA1 associated RING domain 1; minus strand). Cytogenetic location: 2q35.
Variant type: Deletion.
Coding change: c.614del on transcript NM_000465.4 (MANE Select); coding-DNA position 614, one base deleted (A; older notation c.614delA).
Protein change: p.Lys205fs; shifts the reading frame from lysine 205.
Molecular consequence: frameshift variant. On other transcripts: non-coding transcript variant (2), intron variant (3).
Genome position (GRCh38, 1-based): chr2:214,781,260, T deleted on the plus strand (A on the coding strand, the reverse complement: BARD1 is on the minus strand); the first of 6 consecutive T bases (chr2:214,781,260-214,781,265); deleting any one gives the same sequence. VCF-style (leftmost placement, unchanged base first): chr2-214781259-CT-C. GRCh37 (hg19) VCF-style: chr2-215645983-CT-C.
Other names: c.557del, p.Lys186fs (NM_001282543.2); c.158+28152del (NM_001282548.2); c.215+15801del (NM_001282545.2); c.364+11037del (NM_001282549.2); short protein forms K186fs, K205fs.
Identifiers: ClinVar variation 826207 (VCV000826207.16), dbSNP rs1559425604, ClinGen allele CA915941692.